The following is an entry in ClinVar:

ClinVar aggregate classification (germline): Uncertain significance (1 of 4 stars; one submission).

Submission:

Labcorp Genetics (formerly Invitae), Labcorp
Classification: Uncertain significance. Last evaluated: 2025-06-02. Review status: criteria provided, single submitter. Criteria: Invitae Variant Classification Sherloc (09022015). Collection method: clinical testing. Allele origin: germline.
Comment: This sequence change replaces proline, which is neutral and non-polar, with leucine, which is neutral and non-polar, at codon 1429 of the C5 protein (p.Pro1429Leu). This variant is not present in population databases (gnomAD no frequency). This variant has not been reported in the literature in individuals affected with C5-related conditions. ClinVar contains an entry for this variant (Variation ID: 2805981). Invitae Evidence Modeling of protein sequence and biophysical properties (such as structural, functional, and spatial information, amino acid conservation, physicochemical variation, residue mobility, and thermodynamic stability) indicates that this missense variant is not expected to disrupt C5 protein function with a negative predictive value of 80%. In summary, the available evidence is currently insufficient to determine the role of this variant in disease. Therefore, it has been classified as a Variant of Uncertain Significance.

NM_001735.3(C5):c.4286C>T (p.Pro1429Leu)

Gene: C5 (complement C5; minus strand). Cytogenetic location: 9q33.2.
Variant type: single nucleotide variant.
Coding change: c.4286C>T on transcript NM_001735.3 (MANE Select); coding-DNA position 4286, C replaced by T.
Protein change: p.Pro1429Leu; replaces proline 1429 with leucine.
Molecular consequence: missense variant.
Genome position (GRCh38, 1-based): chr9:120,963,673, G>A on the plus strand (C>T on the coding strand, the complement: C5 is on the minus strand). VCF-style: chr9-120963673-G-A. GRCh37 (hg19) VCF-style: chr9-123725951-G-A.
Other names: c.4304C>T, p.Pro1435Leu (NM_001317163.2); short protein forms P1435L, P1429L.
Identifiers: ClinVar variation 2805981 (VCV002805981.3), dbSNP rs2540377661, ClinGen allele CA374748481.